The following is an entry in ClinVar:

ClinVar aggregate classification (germline): Uncertain significance. Review status: criteria provided, multiple submitters, no conflicts (2 of 4 stars). 2 submissions from 2 submitters: Uncertain significance (2). Last evaluated 2022-05-09.

Conditions:
Emery-Dreifuss muscular dystrophy 4, autosomal dominant (EDMD4). Also called: EMERY-DREIFUSS MUSCULAR DYSTROPHY 4 WITH VARIABLE FEATURES. Identifiers: Orphanet 261, MedGen C2751807, MONDO:0013071, OMIM 612998.
Autosomal recessive ataxia, Beauce type. Also called: SYNE1 Deficiency; Spinocerebellar ataxia, autosomal recessive 8; ATAXIA, RECESSIVE, OF BEAUCE; SYNE1-Related Autosomal Recessive Cerebellar Ataxia. Identifiers: Orphanet 88644, MedGen C1853116, MONDO:0012549, OMIM 610743.

Allele frequency attached by ClinVar (database versions not stated): ExAC 0.00001.
gnomAD v4.1: 8 of 1,614,034 alleles (0.0005%); highest among the groups gnomAD compares: Middle Eastern, 0.017%; no homozygotes.

Submissions (2):

Labcorp Genetics (formerly Invitae), Labcorp
Classification: Uncertain significance for Emery-Dreifuss muscular dystrophy 4, autosomal dominant; Autosomal recessive ataxia, Beauce type. Last evaluated: 2022-05-09. Review status: criteria provided, single submitter. Criteria: Invitae Variant Classification Sherloc (09022015). Collection method: clinical testing. Allele origin: germline.
Comment: This variant has not been reported in the literature in individuals affected with SYNE1-related conditions. Algorithms developed to predict the effect of missense changes on protein structure and function are either unavailable or do not agree on the potential impact of this missense change (SIFT: "Deleterious"; PolyPhen-2: "Possibly Damaging"; Align-GVGD: "Class C0"). In summary, the available evidence is currently insufficient to determine the role of this variant in disease. Therefore, it has been classified as a Variant of Uncertain Significance. This sequence change replaces arginine, which is basic and polar, with serine, which is neutral and polar, at codon 477 of the SYNE1 protein (p.Arg477Ser). This variant is not present in population databases (gnomAD no frequency).

Revvity Omics, Revvity
Classification: Uncertain significance. Last evaluated: 2021-10-11. Review status: criteria provided, single submitter. Criteria: ACMG Guidelines, 2015. Collection method: clinical testing. Allele origin: germline.

NM_182961.4(SYNE1):c.1410G>T (p.Arg470Ser)

Gene: SYNE1 (spectrin repeat containing nuclear envelope protein 1; minus strand). Cytogenetic location: 6q25.2.
Variant type: single nucleotide variant.
Coding change: c.1410G>T on transcript NM_182961.4 (MANE Select); coding-DNA position 1410, G replaced by T.
Protein change: p.Arg470Ser; replaces arginine 470 with serine.
Molecular consequence: missense variant.
Genome position (GRCh38, 1-based): chr6:152,472,354, C>A on the plus strand (G>T on the coding strand, the complement: SYNE1 is on the minus strand). VCF-style: chr6-152472354-C-A. GRCh37 (hg19) VCF-style: chr6-152793489-C-A.
Other names: c.1431G>T, p.Arg477Ser (NM_033071.5); short protein forms R470S, R477S.
Identifiers: ClinVar variation 2067897 (VCV002067897.7), dbSNP rs758169226, ClinGen allele CA4059407.